The following is an entry in ClinVar:

NM_005732.4(RAD50):c.3390-5T>A

Genes: RAD50 (RAD50 double strand break repair protein; plus strand), TH2-LCR (Th2 cytokine locus control region; plus strand), TH2LCRR (T helper type 2 locus control region associated RNA; minus strand). Cytogenetic location: 5q31.1.
Variant type: single nucleotide variant.
Coding change: c.3390-5T>A on transcript NM_005732.4 (MANE Select); 5 bases into the intron before coding-DNA position 3390, T replaced by A.
Molecular consequence: intron variant.
Genome position (GRCh38, 1-based): chr5:132,637,110, T>A. VCF-style: chr5-132637110-T-A. GRCh37 (hg19) VCF-style: chr5-131972802-T-A.
Identifiers: ClinVar variation 2845312 (VCV002845312.3), dbSNP rs1561658734, ClinGen allele CA2739275066.

ClinVar aggregate classification (germline): Uncertain significance (1 of 4 stars; one submission).

Conditions:
Hereditary cancer-predisposing syndrome. Also called: Neoplastic Syndromes, Hereditary; Hereditary Cancer Syndrome; Hereditary neoplastic syndrome; Tumor predisposition. Identifiers: Orphanet 140162, MedGen C0027672, MeSH D009386, MONDO:0015356.

Submission:

Labcorp Genetics (formerly Invitae), Labcorp
Classification: Uncertain significance for Hereditary cancer-predisposing syndrome. Last evaluated: 2025-07-31. Review status: criteria provided, single submitter. Criteria: Invitae Variant Classification Sherloc (09022015). Collection method: clinical testing. Allele origin: germline.
Comment: This sequence change falls in intron 21 of the RAD50 gene. It does not directly change the encoded amino acid sequence of the RAD50 protein. This variant is not present in population databases (gnomAD no frequency). This variant has not been reported in the literature in individuals affected with RAD50-related conditions. ClinVar contains an entry for this variant (Variation ID: 2845312). Algorithms developed to predict the effect of sequence changes on RNA splicing suggest that this variant may disrupt the consensus splice site. In summary, the available evidence is currently insufficient to determine the role of this variant in disease. Therefore, it has been classified as a Variant of Uncertain Significance.